The following is an entry in ClinVar:

NM_002187.3(IL12B):c.483-36T>G

Gene: IL12B (interleukin 12B; minus strand). Cytogenetic location: 5q33.3.
Variant type: single nucleotide variant.
Coding change: c.483-36T>G on transcript NM_002187.3 (MANE Select); 36 bases into the intron before coding-DNA position 483, T replaced by G.
Molecular consequence: intron variant.
Genome position (GRCh38, 1-based): chr5:159,320,556, A>C on the plus strand (T>G on the coding strand, the complement: IL12B is on the minus strand). VCF-style: chr5-159320556-A-C. GRCh37 (hg19) VCF-style: chr5-158747564-A-C.
Identifiers: ClinVar variation 2628262 (VCV002628262.2), dbSNP rs919766, ClinGen allele CA3538784.

ClinVar aggregate classification (germline): Benign (1 of 4 stars; one submission).

Allele frequency attached by ClinVar (database versions not stated): ExAC 0.12043; 1000 Genomes Project 0.13618; gnomAD 0.14108; 1000 Genomes Project 30x 0.14553; ESP Exome Variant Server 0.15124; TOPMed 0.15292.
gnomAD v4.1: 176,970 of 1,547,022 alleles (11%); highest among the groups gnomAD compares: African/African-American, 22%; 11,373 homozygotes.

Submission:

Unidad de Genómica Garrahan, Hospital de Pediatría Garrahan
Classification: Benign. Last evaluated: 2023-11-12. Review status: criteria provided, single submitter. Criteria: ACMG Guidelines, 2015. Collection method: clinical testing. Allele origin: germline. Affected: no. Observed: 24 variant alleles.
Comment: This variant is classified as Benign based on local population frequency. This variant was detected in 25% of patients studied by a panel of primary immunodeficiencies. Number of patients: 24. Only high quality variants are reported.